The following is an entry in ClinVar:

ClinVar aggregate classification (germline): Uncertain significance (1 of 4 stars; one submission).

Submission:

Labcorp Genetics (formerly Invitae), Labcorp
Classification: Uncertain significance. Last evaluated: 2022-09-10. Review status: criteria provided, single submitter. Criteria: Invitae Variant Classification Sherloc (09022015). Collection method: clinical testing. Allele origin: germline.
Comment: This sequence change replaces serine, which is neutral and polar, with tyrosine, which is neutral and polar, at codon 93 of the NLRP1 protein (p.Ser93Tyr). This variant is not present in population databases (gnomAD no frequency). This variant has not been reported in the literature in individuals affected with NLRP1-related conditions. Algorithms developed to predict the effect of missense changes on protein structure and function (SIFT, PolyPhen-2, Align-GVGD) all suggest that this variant is likely to be tolerated. In summary, the available evidence is currently insufficient to determine the role of this variant in disease. Therefore, it has been classified as a Variant of Uncertain Significance.

NM_033004.4(NLRP1):c.278C>A (p.Ser93Tyr)

Gene: NLRP1 (NLR family pyrin domain containing 1; minus strand). Cytogenetic location: 17p13.2.
Variant type: single nucleotide variant.
Coding change: c.278C>A on transcript NM_033004.4 (MANE Select); coding-DNA position 278, C replaced by A.
Protein change: p.Ser93Tyr; replaces serine 93 with tyrosine.
Molecular consequence: missense variant.
Genome position (GRCh38, 1-based): chr17:5,582,840, G>T on the plus strand (C>A on the coding strand, the complement: NLRP1 is on the minus strand). VCF-style: chr17-5582840-G-T. GRCh37 (hg19) VCF-style: chr17-5486160-G-T.
Other names: c.278C>A, p.Ser93Tyr (NM_001033053.3, NM_014922.5, NM_033006.4 and 1 more transcripts); short protein forms S93Y.
Identifiers: ClinVar variation 1719197 (VCV001719197.5), dbSNP rs2508132702, ClinGen allele CA397390309.
Genomic context (GRCh38, chr17:5,582,840, plus strand): 5'-GAGGTGGGTTGGCTGGGAGACCCCAGGTGGGGTTCACTTGGGCTGTAGGGGAATGAGGGA[G>T]AGTGGCCTACAGGAAAGAGACAAAGAGGTTGGAGACACATCAGAGGGGCAGGGGCAAGGT-3'
Protein context (NP_127497.1, residues 83-103): CAQAQEGAGH[Ser93Tyr]PSFPYSPSEP